The following is an entry in ClinVar:

NM_004453.4(ETFDH):c.1005T>G (p.Ser335Arg)

Gene: ETFDH (electron transfer flavoprotein dehydrogenase; plus strand). Cytogenetic location: 4q32.1.
Variant type: single nucleotide variant.
Coding change: c.1005T>G on transcript NM_004453.4 (MANE Select); coding-DNA position 1005, T replaced by G.
Protein change: p.Ser335Arg; replaces serine 335 with arginine.
Molecular consequence: missense variant.
Genome position (GRCh38, 1-based): chr4:158,699,019, T>G. VCF-style: chr4-158699019-T-G. GRCh37 (hg19) VCF-style: chr4-159620171-T-G.
Other names: c.864T>G, p.Ser288Arg (NM_001281737.2); c.822T>G, p.Ser274Arg (NM_001281738.1); short protein forms S274R, S288R, S335R.
Identifiers: ClinVar variation 960332 (VCV000960332.9), dbSNP rs1452265763, ClinGen allele CA358561986.

ClinVar aggregate classification (germline): Uncertain significance. Review status: criteria provided, single submitter (1 of 4 stars). 2 submissions from 2 submitters: Uncertain significance (1). 1 of the submissions does not count toward it. Last evaluated 2021-09-15.

Conditions:
Multiple acyl-CoA dehydrogenase deficiency (MADD). Also called: Glutaric Acidemia type 2; Glutaric acidemia type II; GA 2; ETHYLMALONIC-ADIPICACIDURIA; GA II; Glutaric aciduria, type 2. Identifiers: Orphanet 26791, MedGen C0268596, MONDO:0009282, OMIM 231680.
Glutaric acidemia type 2C.

Allele frequency attached by ClinVar (database versions not stated): TOPMed below 0.00001; gnomAD 0.00001.
gnomAD v4.1: 1 of 1,610,784 alleles (0.000062%); highest among the groups gnomAD compares: Non-Finnish European, 0.000085%; no homozygotes.

Submissions (2):

Labcorp Genetics (formerly Invitae), Labcorp
Classification: Uncertain significance for Multiple acyl-CoA dehydrogenase deficiency. Last evaluated: 2021-09-15. Review status: criteria provided, single submitter. Criteria: Invitae Variant Classification Sherloc (09022015). Collection method: clinical testing. Allele origin: germline.
Comment: In summary, the available evidence is currently insufficient to determine the role of this variant in disease. Therefore, it has been classified as a Variant of Uncertain Significance. Algorithms developed to predict the effect of missense changes on protein structure and function (SIFT, PolyPhen-2, Align-GVGD) all suggest that this variant is likely to be disruptive. This variant has not been reported in the literature in individuals affected with ETFDH-related conditions. This variant is not present in population databases (ExAC no frequency). This sequence change replaces serine with arginine at codon 335 of the ETFDH protein (p.Ser335Arg). The serine residue is moderately conserved and there is a moderate physicochemical difference between serine and arginine.

Natera, Inc.
Classification: Uncertain significance for Glutaric acidemia type 2C. Last evaluated: 2020-12-03. Review status: no assertion criteria provided. Collection method: clinical testing. Allele origin: germline. Not counted in ClinVar's aggregate classification.